The following is an entry in ClinVar:

ClinVar aggregate classification (germline): Uncertain significance (1 of 4 stars; one submission).

Conditions:
LZTFL1-related disorder. Also called: LZTFL1-related condition.

gnomAD v4.1: 6 of 1,609,902 alleles (0.00037%); highest among the groups gnomAD compares: African/African-American, 0.008%; no homozygotes.

Submission:

PreventionGenetics, part of Exact Sciences
Classification: Uncertain significance for LZTFL1-related condition. Last evaluated: 2025-09-15. Review status: criteria provided, single submitter. Criteria: ACMG Guidelines, 2015. Collection method: clinical testing. Allele origin: germline.
Comment: The LZTFL1 c.146T>G variant is predicted to result in the amino acid substitution p.Phe49Cys. To our knowledge, this variant has not been reported in the literature. This variant is reported in 0.023% of alleles in individuals of African descent in gnomAD. At this time, the clinical significance of this variant is uncertain due to the absence of conclusive functional and genetic evidence.

NM_020347.4(LZTFL1):c.146T>G (p.Phe49Cys)

Gene: LZTFL1 (leucine zipper transcription factor like 1; minus strand). Cytogenetic location: 3p21.31.
Variant type: single nucleotide variant.
Coding change: c.146T>G on transcript NM_020347.4 (MANE Select); coding-DNA position 146, T replaced by G.
Protein change: p.Phe49Cys; replaces phenylalanine 49 with cysteine.
Molecular consequence: missense variant. On other transcripts: non-coding transcript variant (2).
Genome position (GRCh38, 1-based): chr3:45,835,767, A>C on the plus strand (T>G on the coding strand, the complement: LZTFL1 is on the minus strand). VCF-style: chr3-45835767-A-C. GRCh37 (hg19) VCF-style: chr3-45877259-A-C.
Other names: c.95T>G, p.Phe32Cys (NM_001276378.2, NM_001386451.1, NM_001405922.1 and 4 more transcripts); c.134T>G, p.Phe45Cys (NM_001276379.2, NM_001405921.1); c.146T>G, p.Phe49Cys (NM_001386452.1, NM_001405924.1); c.170T>G, p.Phe57Cys (NM_001405920.1, NM_001405925.1); short protein forms F32C, F49C, F45C, F57C.
Identifiers: ClinVar variation 4981975 (VCV004981975.1).